The following is an entry in ClinVar:

NM_000492.4(CFTR):c.3469-3_3469-2del

Genes: CFTR (CF transmembrane conductance regulator; plus strand), CFTR-AS2 (CFTR antisense RNA 2; minus strand). Cytogenetic location: 7q31.2.
Variant type: Deletion.
Coding change: c.3469-3_3469-2del on transcript NM_000492.4 (MANE Select); 3 bases into the intron before coding-DNA position 3469 through the canonical splice acceptor site of the intron before coding-DNA position 3469, 2 bases deleted (CA; older notation c.3469-3_3469-2delCA).
Molecular consequence: splice acceptor variant.
Genome position (GRCh38, 1-based): chr7:117,627,519-117,627,520, CA deleted. VCF-style (leftmost placement, unchanged base first): chr7-117627518-TCA-T. GRCh37 (hg19) VCF-style: chr7-117267572-TCA-T.
Other names: c.3469-3_3469-2delCA (NM_000492.4).
Identifiers: ClinVar variation 3251256 (VCV003251256.2), dbSNP rs2485146017.

ClinVar aggregate classification (germline): Likely pathogenic (1 of 4 stars; one submission).

Conditions:
Cystic fibrosis (CF). Also called: MUCOVISCIDOSIS. Identifiers: Orphanet 586, MedGen C0010674, MONDO:0009061, OMIM 219700. Disease mechanism: loss of function.

Submission:

Women's Health and Genetics/Laboratory Corporation of America, LabCorp
Classification: Likely pathogenic for Cystic fibrosis. Last evaluated: 2025-03-03. Review status: criteria provided, single submitter. Criteria: LabCorp Variant Classification Summary - May 2015. Collection method: clinical testing. Allele origin: germline.
Comment: Variant summary: CFTR c.3469-3_3469-2delCA is located in a canonical splice-site and is predicted to affect mRNA splicing resulting in a significantly altered protein due to either exon skipping, shortening, or inclusion of intronic material. Variants that disrupt the consensus splice site are a relatively common cause of aberrant splicing and loss of CFTR function. Several computational tools predict a significant impact on normal splicing: Four predict the variant abolishes a 3' acceptor site. However, these predictions have yet to be confirmed by functional studies. The variant was absent in 250382 control chromosomes. To our knowledge, no occurrence of c.3469-3_3469-2delCA in individuals affected with Cystic Fibrosis and no experimental evidence demonstrating its impact on protein function have been reported. ClinVar contains an entry for this variant (Variation ID: 3251256). Based on the evidence outlined above, the variant was classified as likely pathogenic.